The following is an entry in ClinVar:

ClinVar aggregate classification (germline): Conflicting classifications of pathogenicity. Review status: criteria provided, conflicting classifications (1 of 4 stars). 3 submissions from 3 submitters: Uncertain significance (2); Likely benign (1). Last evaluated 2025-08-12.

Conditions:
Inborn genetic diseases. Identifiers: MedGen C0950123, MeSH D030342.

Allele frequency attached by ClinVar (database versions not stated): ExAC 0.00001; gnomAD exomes 0.00002; gnomAD 0.00003 and 0.00004; TOPMed 0.00003.

Submissions (3):

Ambry Genetics
Classification: Likely benign for Inborn genetic diseases. Last evaluated: 2025-08-12. Review status: criteria provided, single submitter. Criteria: Ambry Variant Classification Scheme 2023. Collection method: clinical testing. Allele origin: germline.

Labcorp Genetics (formerly Invitae), Labcorp
Classification: Uncertain significance. Last evaluated: 2022-03-01. Review status: criteria provided, single submitter. Criteria: Invitae Variant Classification Sherloc (09022015). Collection method: clinical testing. Allele origin: germline.
Comment: In summary, the available evidence is currently insufficient to determine the role of this variant in disease. Therefore, it has been classified as a Variant of Uncertain Significance. This sequence change replaces valine, which is neutral and non-polar, with isoleucine, which is neutral and non-polar, at codon 1039 of the TJP2 protein (p.Val1039Ile). This variant is present in population databases (rs774645374, gnomAD 0.003%). This variant has not been reported in the literature in individuals affected with TJP2-related conditions. Algorithms developed to predict the effect of missense changes on protein structure and function output the following: SIFT: "Tolerated"; PolyPhen-2: "Benign"; Align-GVGD: "Class C0". The isoleucine amino acid residue is found in multiple mammalian species, which suggests that this missense change does not adversely affect protein function.

GeneDx
Classification: Uncertain significance. Last evaluated: 2022-01-10. Review status: criteria provided, single submitter. Criteria: GeneDx Variant Classification Process June 2021. Collection method: clinical testing. Allele origin: germline. Affected: yes.
Comment: In silico analysis supports that this missense variant does not alter protein structure/function; Has not been previously published as pathogenic or benign to our knowledge

NM_004817.4(TJP2):c.3115G>A (p.Val1039Ile)

Gene: TJP2 (tight junction protein 2; plus strand). Cytogenetic location: 9q21.11.
Variant type: single nucleotide variant.
Coding change: c.3115G>A on transcript NM_004817.4 (MANE Select); coding-DNA position 3115, G replaced by A.
Protein change: p.Val1039Ile; replaces valine 1039 with isoleucine.
Molecular consequence: missense variant. On other transcripts: intron variant (3).
Genome position (GRCh38, 1-based): chr9:69,251,158, G>A. VCF-style: chr9-69251158-G-A. GRCh37 (hg19) VCF-style: chr9-71866074-G-A.
Other names: c.3046G>A, p.Val1016Ile (NM_001369871.1); c.3004G>A, p.Val1002Ile (NM_001369872.1); c.2791G>A, p.Val931Ile (NM_001369873.1); c.3127G>A, p.Val1043Ile (NM_001369875.1); c.2812-1657G>A (NM_001170414.2); c.2881-1657G>A (NM_201629.3); c.2893-1657G>A (NM_001369874.1); c.3016G>A, p.Val1006Ile (NM_001170415.1); and 2 more; short protein forms V1002I, V1006I, V1014I, V1016I, V1039I, V1043I, V1070I, V931I.
Identifiers: ClinVar variation 1695496 (VCV001695496.7), dbSNP rs774645374, ClinGen allele CA5073885.